The following is an entry in ClinVar:

NM_020547.3(AMHR2):c.322A>C (p.Thr108Pro)

Gene: AMHR2 (anti-Mullerian hormone receptor type 2; plus strand). Cytogenetic location: 12q13.13.
Variant type: single nucleotide variant.
Coding change: c.322A>C on transcript NM_020547.3 (MANE Select); coding-DNA position 322, A replaced by C.
Protein change: p.Thr108Pro; replaces threonine 108 with proline.
Molecular consequence: missense variant.
Genome position (GRCh38, 1-based): chr12:53,424,798, A>C. VCF-style: chr12-53424798-A-C. GRCh37 (hg19) VCF-style: chr12-53818582-A-C.
Other names: c.322A>C, p.Thr108Pro (NM_001164690.2, NM_001164691.2); short protein forms T108P.
Identifiers: ClinVar variation 1307806 (VCV001307806.6), dbSNP rs552083814, ClinGen allele CA6600307.

ClinVar aggregate classification (germline): Uncertain significance. Review status: criteria provided, multiple submitters, no conflicts (2 of 4 stars). 2 submissions from 2 submitters: Uncertain significance (2). Last evaluated 2021-09-03.

Submissions (2):

Labcorp Genetics (formerly Invitae), Labcorp
Classification: Uncertain significance. Last evaluated: 2021-09-03. Review status: criteria provided, single submitter. Criteria: Invitae Variant Classification Sherloc (09022015). Collection method: clinical testing. Allele origin: germline.
Comment: In summary, the available evidence is currently insufficient to determine the role of this variant in disease. Therefore, it has been classified as a Variant of Uncertain Significance. Algorithms developed to predict the effect of missense changes on protein structure and function (SIFT, PolyPhen-2, Align-GVGD) all suggest that this variant is likely to be disruptive. This missense change has been observed in individual(s) with clinical features of persistent M√ºllerian duct syndrome (Invitae). This variant is present in population databases (rs552083814, ExAC 0.003%). This sequence change replaces threonine with proline at codon 108 of the AMHR2 protein (p.Thr108Pro). The threonine residue is highly conserved and there is a small physicochemical difference between threonine and proline.

GeneDx
Classification: Uncertain significance. Last evaluated: 2019-03-26. Review status: criteria provided, single submitter. Criteria: GeneDx Variant Classification Process June 2021. Collection method: clinical testing. Allele origin: germline. Affected: yes.
Comment: Not observed at a significant frequency in large population cohorts (Lek et al., 2016); In silico analysis, which includes protein predictors and evolutionary conservation, supports that this variant does not alter protein structure/function; This variant is associated with the following publications: (PMID: 22435390)